The following is an entry in ClinVar:

ClinVar aggregate classification (germline): Uncertain significance. Review status: criteria provided, multiple submitters, no conflicts (2 of 4 stars). 3 submissions from 3 submitters: Uncertain significance (3). Last evaluated 2025-06-11.

Conditions:
Inborn genetic diseases. Identifiers: MedGen C0950123, MeSH D030342.
Ullrich congenital muscular dystrophy 2 (UCMD2). Identifiers: Orphanet 75840, MedGen C4225314, MONDO:0014654, OMIM 616470.
Bethlem myopathy 2 (BTHLM2). Identifiers: Orphanet 536516, Orphanet 610, MedGen C4225313, MONDO:0034022, OMIM 616471.

Allele frequency attached by ClinVar (database versions not stated): TOPMed 0.00001; gnomAD exomes below 0.00001.

Submissions (3):

Ambry Genetics
Classification: Uncertain significance for Inborn genetic diseases. Last evaluated: 2025-06-11. Review status: criteria provided, single submitter. Criteria: Ambry Variant Classification Scheme 2023. Collection method: clinical testing. Allele origin: germline.

Labcorp Genetics (formerly Invitae), Labcorp
Classification: Uncertain significance for Bethlem myopathy 2; Ullrich congenital muscular dystrophy 2. Last evaluated: 2025-02-26. Review status: criteria provided, single submitter. Criteria: Invitae Variant Classification Sherloc (09022015). Collection method: clinical testing. Allele origin: germline.
Comment: This sequence change replaces valine, which is neutral and non-polar, with alanine, which is neutral and non-polar, at codon 142 of the COL12A1 protein (p.Val142Ala). This variant is present in population databases (no rsID available, gnomAD 0.006%). This variant has not been reported in the literature in individuals affected with COL12A1-related conditions. ClinVar contains an entry for this variant (Variation ID: 1987956). Invitae Evidence Modeling of protein sequence and biophysical properties (such as structural, functional, and spatial information, amino acid conservation, physicochemical variation, residue mobility, and thermodynamic stability) has been performed for this missense variant. However, the output from this modeling did not meet the statistical confidence thresholds required to predict the impact of this variant on COL12A1 protein function. In summary, the available evidence is currently insufficient to determine the role of this variant in disease. Therefore, it has been classified as a Variant of Uncertain Significance.

Revvity Omics, Revvity
Classification: Uncertain significance. Last evaluated: 2021-04-06. Review status: criteria provided, single submitter. Criteria: ACMG Guidelines, 2015. Collection method: clinical testing. Allele origin: germline.

NM_004370.6(COL12A1):c.425T>C (p.Val142Ala)

Gene: COL12A1 (collagen type XII alpha 1 chain; minus strand). Cytogenetic location: 6q13.
Variant type: single nucleotide variant.
Coding change: c.425T>C on transcript NM_004370.6 (MANE Select); coding-DNA position 425, T replaced by C.
Protein change: p.Val142Ala; replaces valine 142 with alanine.
Molecular consequence: missense variant. On other transcripts: intron variant (1).
Genome position (GRCh38, 1-based): chr6:75,189,785, A>G on the plus strand (T>C on the coding strand, the complement: COL12A1 is on the minus strand). VCF-style: chr6-75189785-A-G. GRCh37 (hg19) VCF-style: chr6-75899501-A-G.
Other names: c.425T>C (NM_004370.5); c.73+12935T>C (NM_080645.3); short protein forms V142A.
Identifiers: ClinVar variation 1987956 (VCV001987956.8), dbSNP rs1192859797, ClinGen allele CA364729760.